The following is an entry in ClinVar:

ClinVar aggregate classification (germline): Likely benign (1 of 4 stars; one submission).

gnomAD v4.1: 38 of 1,550,890 alleles (0.0025%); highest among the groups gnomAD compares: African/African-American, 0.019%; 1 homozygote.

Submission:

CeGaT Center for Human Genetics Tuebingen
Classification: Likely benign. Last evaluated: 2026-04-01. Review status: criteria provided, single submitter. Criteria: CeGaT Center For Human Genetics Tuebingen Variant Classification Criteria Version 2. Collection method: clinical testing. Allele origin: germline. Affected: yes. Observed: 1 variant allele.
Comment: TMEM132C: BP4, BP7

NM_001136103.3(TMEM132C):c.2460C>T (p.His820=)

Gene: TMEM132C (transmembrane protein 132C; plus strand). Cytogenetic location: 12q24.33.
Variant type: single nucleotide variant.
Coding change: c.2460C>T on transcript NM_001136103.3 (MANE Select); coding-DNA position 2460, C replaced by T.
Protein change: p.His820=; no amino-acid change (histidine 820 retained).
Molecular consequence: synonymous variant.
Genome position (GRCh38, 1-based): chr12:128,705,428, C>T. VCF-style: chr12-128705428-C-T. GRCh37 (hg19) VCF-style: chr12-129189973-C-T.
Other names: c.2400C>T, p.His800= (NM_001387058.1).
Identifiers: ClinVar variation 4872896 (VCV004872896.2).
Genomic context (GRCh38, chr12:128,705,428, plus strand): 5'-ACAGAACGATGCTGACTCCAGCCCCGGCGGGGACTATGAGGAAGATGAGATCAAGAACCA[C>T]GCCAGCGACCGCCGGCAGAAGGGCCAGCACCATGAGCGCACAGGCCAAGATGGGCACCTC-3'
Protein context (NP_001129575.2, residues 810-830): GDYEEDEIKN[His820=]ASDRRQKGQH